The following is an entry in ClinVar:

NM_001374828.1(ARID1B):c.2411del (p.Gly804fs)

Gene: ARID1B (AT-rich interaction domain 1B; plus strand). Cytogenetic location: 6q25.3.
Variant type: Deletion.
Coding change: c.2411del on transcript NM_001374828.1 (MANE Select); coding-DNA position 2411, one base deleted (G; older notation c.2411delG).
Protein change: p.Gly804fs; shifts the reading frame from glycine 804.
Molecular consequence: frameshift variant. On other transcripts: 5 prime UTR variant (1).
Genome position (GRCh38, 1-based): chr6:157,084,825, G deleted; the last of 6 consecutive G bases (chr6:157,084,820-157,084,825); deleting any one gives the same sequence. VCF-style (leftmost placement, unchanged base first): chr6-157084819-CG-C. GRCh37 (hg19) VCF-style: chr6-157405953-CG-C.
Other names: c.2201del (NM_020732.3); c.-89del (NM_001363725.2); c.2450del, p.Gly817fs (NM_001371656.1, NM_001374820.1); c.2411del, p.Gly804fs (NM_017519.3); short protein forms G804fs, G817fs.
Identifiers: ClinVar variation 3364203 (VCV003364203.2).
Genomic context (GRCh38, chr6:157,084,819, plus strand): 5'-AGAGCAACCCGGCGCAGTCGCCTTTCTCCCCACATGCGTCCCCTCATCTCTCCAGCATCC[CG>C]GGGGGCCCATCTCCCTCTCCTGTTGGCTCTCCTGTAGGAAGCAACCAGTCTCGATCTGGC-3'

ClinVar aggregate classification (germline): Pathogenic/Likely pathogenic. Review status: criteria provided, multiple submitters, no conflicts (2 of 4 stars). 2 submissions from 2 submitters: Pathogenic (1); Likely pathogenic (1). Last evaluated 2024-04-19.

Conditions:
ARID1B-Related Disorder. Identifiers: MedGen CN381337.

Submissions (2):

GeneDx
Classification: Pathogenic. Last evaluated: 2024-04-19. Review status: criteria provided, single submitter. Criteria: GeneDx Variant Classification Process June 2021. Collection method: clinical testing. Allele origin: germline. Affected: yes.
Comment: Frameshift variant predicted to result in protein truncation or nonsense mediated decay in a gene for which loss of function is a known mechanism of disease; Not observed at significant frequency in large population cohorts (gnomAD); This variant is associated with the following publications: (PMID: 33057194, 35982159)

Blueprint Genetics
Classification: Likely pathogenic for ARID1B-related disorders. Last evaluated: 2021-07-08. Review status: criteria provided, single submitter. Criteria: ACMG Guidelines, 2015. Collection method: clinical testing. Allele origin: germline. Affected: yes. Observed: 1 variant allele.